The following is an entry in ClinVar:

ClinVar aggregate classification (germline): Uncertain significance (1 of 4 stars; one submission).

Submission:

Women's Health and Genetics/Laboratory Corporation of America, LabCorp
Classification: Uncertain significance. Last evaluated: 2025-09-08. Review status: criteria provided, single submitter. Criteria: LabCorp Variant Classification Summary - May 2015. Collection method: clinical testing. Allele origin: germline.
Comment: Variant summary: CUL7 c.2981A>G (p.Gln994Arg) results in a conservative amino acid change in the encoded protein sequence. Algorithms developed to predict the effect of missense changes on protein structure and function are either unavailable or do not agree on the potential impact of this missense change. The variant was absent in 251432 control chromosomes. The available data on variant occurrences in the general population are insufficient to allow any conclusion about variant significance. To our knowledge, no occurrence of c.2981A>G in individuals affected with CUL7-related conditions and no experimental evidence demonstrating its impact on protein function have been reported. No submitters have cited clinical-significance assessments for this variant to ClinVar. Based on the evidence outlined above, the variant was classified as uncertain significance.

NM_014780.5(CUL7):c.2981A>G (p.Gln994Arg)

Gene: CUL7 (cullin 7; minus strand). Cytogenetic location: 6p21.1.
Variant type: single nucleotide variant.
Coding change: c.2981A>G on transcript NM_014780.5 (MANE Select); coding-DNA position 2981, A replaced by G.
Protein change: p.Gln994Arg; replaces glutamine 994 with arginine.
Molecular consequence: missense variant.
Genome position (GRCh38, 1-based): chr6:43,045,284, T>C on the plus strand (A>G on the coding strand, the complement: CUL7 is on the minus strand). VCF-style: chr6-43045284-T-C. GRCh37 (hg19) VCF-style: chr6-43013022-T-C.
Other names: c.3077A>G, p.Gln1026Arg (NM_001168370.2, NM_001374872.1); c.2981A>G, p.Gln994Arg (NM_001374873.1, NM_001374874.1); short protein forms Q1026R, Q994R.
Identifiers: ClinVar variation 4535673 (VCV004535673.1).